The following is an entry in ClinVar:

ClinVar aggregate classification (germline): Uncertain significance (1 of 4 stars; one submission).

Conditions:
Fabry disease. Also called: ALPHA-GALACTOSIDASE A DEFICIENCY; ANDERSON-FABRY DISEASE; CERAMIDE TRIHEXOSIDASE DEFICIENCY; GLA DEFICIENCY; HEREDITARY DYSTOPIC LIPIDOSIS; Angiokeratoma corporis diffusum. Identifiers: Orphanet 324, MedGen C0002986, MONDO:0010526, OMIM 301500, HP:0001071. Disease mechanism: Fabry disease is due to inactivating mutations in the X-linked GLA gene resulting in deficiency of the enzyme Alpha Galactosidase-A., loss of function.

Submission:

Genomenon, Inc
Classification: Uncertain significance for Fabry disease. Last evaluated: 2026-09-08. Review status: criteria provided, single submitter. Criteria: Genomenon Sequence Variant Interpretation Standards - Updated. Collection method: curation. Allele origin: germline. Affected: yes.
Comment: GLA p.Val124Gly (c.371T>G) is a missense variant that changes the amino acid at codon 124 from Valine to Glycine. This variant has been observed in at least one proband with clinical features consistent with Fabry disease (PMID:27560961). Functional or patient cell studies have been reported (PMID:27560961). It is absent or not present at a significant frequency in gnomAD. In silico models predict that this variant is possibly or probably damaging. In conclusion, we classify GLA p.Val124Gly (c.371T>G) as a variant of uncertain significance.

Literature cited by the submitters: PubMed 27560961.

NM_000169.3(GLA):c.371T>G (p.Val124Gly)

Genes: GLA (galactosidase alpha; minus strand), RPL36A-HNRNPH2 (RPL36A-HNRNPH2 readthrough; plus strand). Cytogenetic location: Xq22.1.
Variant type: single nucleotide variant.
Coding change: c.371T>G on transcript NM_000169.3 (MANE Select); coding-DNA position 371, T replaced by G.
Protein change: p.Val124Gly; replaces valine 124 with glycine.
Molecular consequence: missense variant. On other transcripts: non-coding transcript variant (3), intron variant (2).
Genome position (GRCh38, 1-based): chrX:101,401,808, A>C on the plus strand (T>G on the coding strand, the complement: GLA is on the minus strand). VCF-style: chrX-101401808-A-C. GRCh37 (hg19) VCF-style: chrX-100656796-A-C.
Other names: c.494T>G, p.Val165Gly (NM_001406747.1, NM_001406749.1); c.371T>G, p.Val124Gly (NM_001406748.1); c.300+6351A>C (NM_001199973.2); c.177+9986A>C (NM_001199974.2); short protein forms V124G, V165G.
Identifiers: ClinVar variation 4087349 (VCV004087349.2).
Genomic context (GRCh38, chrX:101,401,808, plus strand): 5'-CCTGCGCAGGTTTTATTTCCAACATCTGCATAAATCCCTAGCTTCAGTCCTTTGCTGTGA[A>C]CCTGAAATGAGAGGGAGGAAAAGAGTCACCATTGTAGAAGCACAATCGTGAGGTAGCAGA-3'
Protein context (NP_000160.1, residues 114-134): PHGIRQLANY[Val124Gly]HSKGLKLGIY